The following is an entry in ClinVar:

NM_000465.4(BARD1):c.2211C>A (p.Ile737=)

Gene: BARD1 (BRCA1 associated RING domain 1; minus strand). Cytogenetic location: 2q35.
Variant type: single nucleotide variant.
Coding change: c.2211C>A on transcript NM_000465.4 (MANE Select); coding-DNA position 2211, C replaced by A.
Protein change: p.Ile737=; no amino-acid change (isoleucine 737 retained).
Molecular consequence: synonymous variant. On other transcripts: non-coding transcript variant (3).
Genome position (GRCh38, 1-based): chr2:214,728,799, G>T on the plus strand (C>A on the coding strand, the complement: BARD1 is on the minus strand). VCF-style: chr2-214728799-G-T. GRCh37 (hg19) VCF-style: chr2-215593523-G-T.
Other names: c.2154C>A, p.Ile718= (NM_001282543.2); c.858C>A, p.Ile286= (NM_001282545.2); c.801C>A, p.Ile267= (NM_001282548.2); c.672C>A, p.Ile224= (NM_001282549.2).
Identifiers: ClinVar variation 3378457 (VCV003378457.1).

ClinVar aggregate classification (germline): Benign (1 of 4 stars; one submission).

Conditions:
Familial cancer of breast. Also called: hereditary breast carcinoma; Hereditary breast cancer; BREAST CANCER, FAMILIAL. Identifiers: Orphanet 227535, MedGen C0346153, MONDO:0016419, OMIM 114480. Disease mechanism: loss of function.

Submission:

Myriad Genetics, Inc.
Classification: Benign for Familial cancer of breast. Last evaluated: 2024-07-30. Review status: criteria provided, single submitter. Criteria: Myriad Autosomal Dominant, Autosomal Recessive and X-Linked Classification Criteria (2023). Collection method: clinical testing. Allele origin: unknown.
Comment: This variant is considered benign. This variant is a silent/synonymous amino acid change and it is not expected to impact splicing.